The following is an entry in ClinVar:

ClinVar aggregate classification (germline): Benign (1 of 4 stars; one submission).

Allele frequency attached by ClinVar (database versions not stated): 1000 Genomes Project 0.20567; gnomAD 0.18183; TOPMed 0.18466; 1000 Genomes Project 30x 0.19894.
gnomAD v4.1: 151,549 of 730,674 alleles (21%); highest among the groups gnomAD compares: South Asian, 25%; 16,346 homozygotes.

Submission:

GeneDx
Classification: Benign. Last evaluated: 2018-06-18. Review status: criteria provided, single submitter. Criteria: GeneDx Variant Classification (06012015). Collection method: clinical testing. Allele origin: germline. Affected: yes.
Comment: This variant is considered likely benign or benign based on one or more of the following criteria: it is a conservative change, it occurs at a poorly conserved position in the protein, it is predicted to be benign by multiple in silico algorithms, and/or has population frequency not consistent with disease.

NM_001232.4(CASQ2):c.1015-119G>A

Gene: CASQ2 (calsequestrin 2; minus strand). Cytogenetic location: 1p13.1.
Variant type: single nucleotide variant.
Coding change: c.1015-119G>A on transcript NM_001232.4 (MANE Select); 119 bases into the intron before coding-DNA position 1015, G replaced by A.
Molecular consequence: intron variant.
Genome position (GRCh38, 1-based): chr1:115,701,545, C>T on the plus strand (G>A on the coding strand, the complement: CASQ2 is on the minus strand). VCF-style: chr1-115701545-C-T. GRCh37 (hg19) VCF-style: chr1-116244166-C-T.
Identifiers: ClinVar variation 672367 (VCV000672367.1), dbSNP rs80057683, ClinGen allele CA10955201.